The following is an entry in ClinVar:

ClinVar aggregate classification (germline): Uncertain significance (1 of 4 stars; one submission).

Allele frequency attached by ClinVar (database versions not stated): gnomAD exomes 0.00003 and 0.00008; gnomAD 0.00004; ExAC 0.00005; TOPMed 0.00006.
gnomAD v4.1: 118 of 1,612,730 alleles (0.0073%); highest among the groups gnomAD compares: Non-Finnish European, 0.0093%; no homozygotes.

Submission:

Labcorp Genetics (formerly Invitae), Labcorp
Classification: Uncertain significance. Last evaluated: 2025-07-23. Review status: criteria provided, single submitter. Criteria: Invitae Variant Classification Sherloc (09022015). Collection method: clinical testing. Allele origin: germline.
Comment: This sequence change replaces isoleucine, which is neutral and non-polar, with valine, which is neutral and non-polar, at codon 606 of the HGF protein (p.Ile606Val). This variant is present in population databases (rs765890500, gnomAD 0.006%). This variant has not been reported in the literature in individuals affected with HGF-related conditions. ClinVar contains an entry for this variant (Variation ID: 1466240). An algorithm developed to predict the effect of missense changes on protein structure and function (PolyPhen-2) suggests that this variant is likely to be tolerated. In summary, the available evidence is currently insufficient to determine the role of this variant in disease. Therefore, it has been classified as a Variant of Uncertain Significance.

NM_000601.6(HGF):c.1816A>G (p.Ile606Val)

Gene: HGF (hepatocyte growth factor; minus strand). Cytogenetic location: 7q21.11.
Variant type: single nucleotide variant.
Coding change: c.1816A>G on transcript NM_000601.6 (MANE Select); coding-DNA position 1816, A replaced by G.
Protein change: p.Ile606Val; replaces isoleucine 606 with valine.
Molecular consequence: missense variant.
Genome position (GRCh38, 1-based): chr7:81,705,695, T>C on the plus strand (A>G on the coding strand, the complement: HGF is on the minus strand). VCF-style: chr7-81705695-T-C. GRCh37 (hg19) VCF-style: chr7-81335011-T-C.
Other names: c.1801A>G, p.Ile601Val (NM_001010932.3); short protein forms I606V, I601V.
Identifiers: ClinVar variation 1466240 (VCV001466240.6), dbSNP rs765890500, ClinGen allele CA4316799.